The following is an entry in ClinVar:

NM_001378030.1(CCDC78):c.668G>A (p.Arg223His)

Gene: CCDC78 (coiled-coil domain containing 78; minus strand). Cytogenetic location: 16p13.3.
Variant type: single nucleotide variant.
Coding change: c.668G>A on transcript NM_001378030.1 (MANE Select); coding-DNA position 668, G replaced by A.
Protein change: p.Arg223His; replaces arginine 223 with histidine.
Molecular consequence: missense variant. On other transcripts: non-coding transcript variant (5), intron variant (1).
Genome position (GRCh38, 1-based): chr16:724,778, C>T on the plus strand (G>A on the coding strand, the complement: CCDC78 is on the minus strand). VCF-style: chr16-724778-C-T. GRCh37 (hg19) VCF-style: chr16-774778-C-T.
Other names: c.668G>A, p.Arg223His (NM_001031737.3, NM_001378031.1); c.199-269G>A (NM_001378033.1); short protein forms R223H.
Identifiers: ClinVar variation 643484 (VCV000643484.12), dbSNP rs373278585, ClinGen allele CA7789461.

ClinVar aggregate classification (germline): Likely benign. Review status: criteria provided, single submitter (1 of 4 stars). 2 submissions from 2 submitters: Likely benign (1). 1 of the submissions does not count toward it. Last evaluated 2025-04-17.

Conditions:
Congenital myopathy with internal nuclei and atypical cores. Also called: Myopathy, centronuclear, 4. Identifiers: Orphanet 319160, MedGen C4707232, MONDO:0013890, OMIM 614807.
CCDC78-related disorder. Also called: CCDC78-related condition.

Allele frequency attached by ClinVar (database versions not stated): gnomAD 0.00010; ESP Exome Variant Server 0.00015; ExAC 0.00016; TOPMed 0.00020.

Submissions (2):

Labcorp Genetics (formerly Invitae), Labcorp
Classification: Likely benign for Congenital myopathy with internal nuclei and atypical cores. Last evaluated: 2025-04-17. Review status: criteria provided, single submitter. Criteria: Invitae Variant Classification Sherloc (09022015). Collection method: clinical testing. Allele origin: germline.

PreventionGenetics, part of Exact Sciences
Classification: Likely benign for CCDC78-related condition. Last evaluated: 2023-05-10. Review status: no assertion criteria provided. Collection method: clinical testing. Allele origin: germline. Not counted in ClinVar's aggregate classification.
Comment: This variant is classified as likely benign based on ACMG/AMP sequence variant interpretation guidelines (Richards et al. 2015 PMID: 25741868, with internal and published modifications).